The following is an entry in ClinVar:

ClinVar aggregate classification (germline): Uncertain significance (1 of 4 stars; one submission).

Submission:

Labcorp Genetics (formerly Invitae), Labcorp
Classification: Uncertain significance. Last evaluated: 2025-12-15. Review status: criteria provided, single submitter. Criteria: Invitae Variant Classification Sherloc (09022015). Collection method: clinical testing. Allele origin: germline.
Comment: This variant, c.58_81dup, results in the insertion of 8 amino acid(s) of the FBXO11 protein (p.Val20_Pro27dup), but otherwise preserves the integrity of the reading frame. This variant is not present in population databases (gnomAD no frequency). This variant has not been reported in the literature in individuals affected with FBXO11-related conditions. In summary, the available evidence is currently insufficient to determine the role of this variant in disease. Therefore, it has been classified as a Variant of Uncertain Significance.

NM_001190274.2(FBXO11):c.58_81dup (p.Pro27_Pro28insValGlnGlnGlnGlnGlnGlnPro)

Genes: FBXO11 (F-box protein 11; minus strand), LOC100506235 (uncharacterized LOC100506235; plus strand). Cytogenetic location: 2p16.3.
Variant type: Duplication.
Coding change: c.58_81dup on transcript NM_001190274.2 (MANE Select); coding-DNA positions 58 to 81, 24 bases duplicated (GTGCAGCAACAGCAGCAGCAGCCC).
Protein change: p.Pro27_Pro28insValGlnGlnGlnGlnGlnGlnPro.
Molecular consequence: inframe insertion. On other transcripts: non-coding transcript variant (1).
Genome position (GRCh38, 1-based): chr2:47,905,640-47,905,663, GGGCTGCTGCTGCTGTTGCTGCAC duplicated on the plus strand (GTGCAGCAACAGCAGCAGCAGCCC on the coding strand, the reverse complement: FBXO11 is on the minus strand). VCF-style (leftmost placement, unchanged base first): chr2-47905639-G-GGGGCTGCTGCTGCTGTTGCTGCAC. GRCh37 (hg19) VCF-style: chr2-48132778-G-GGGGCTGCTGCTGCTGTTGCTGCAC.
Identifiers: ClinVar variation 4803819 (VCV004803819.1).